The following is an entry in ClinVar:

NM_000170.3(GLDC):c.1689C>G (p.Asn563Lys)

Gene: GLDC (glycine decarboxylase; minus strand). Cytogenetic location: 9p24.1.
Variant type: single nucleotide variant.
Coding change: c.1689C>G on transcript NM_000170.3 (MANE Select); coding-DNA position 1689, C replaced by G.
Protein change: p.Asn563Lys; replaces asparagine 563 with lysine.
Molecular consequence: missense variant.
Genome position (GRCh38, 1-based): chr9:6,588,419, G>C on the plus strand (C>G on the coding strand, the complement: GLDC is on the minus strand). VCF-style: chr9-6588419-G-C. GRCh37 (hg19) VCF-style: chr9-6588419-G-C.
Other names: short protein forms N563K.
Identifiers: ClinVar variation 1423220 (VCV001423220.6), dbSNP rs546431385, ClinGen allele CA372892231.
Genomic context (GRCh38, chr9:6,588,419, plus strand): 5'-TGCCCCTTGCTGAGTATCCACTTACAGAAGTGAGCTACTTACTGCGAGTTCAGACGAACT[G>C]TTCAGTTTCATGGTGCAGGATCCCTTTAAGAAGAACATCCAAAATGTATCACATTAGTGA-3'
Protein context (NP_000161.2, residues 553-573): IPLGSCTMKL[Asn563Lys]SSSELAPITW

ClinVar aggregate classification (germline): Uncertain significance (1 of 4 stars; one submission).

Conditions:
Glycine encephalopathy. Also called: Nonketotic hyperglycinemia; Non-ketotic hyperglycinemia. Identifiers: Orphanet 407, MedGen C0751748, MONDO:0011612, HP:0008288.

gnomAD v4.1: 1 of 1,612,154 alleles (0.000062%); highest among the groups gnomAD compares: African/African-American, 0.0013%; no homozygotes.

Submission:

Labcorp Genetics (formerly Invitae), Labcorp
Classification: Uncertain significance for Glycine encephalopathy. Last evaluated: 2022-07-05. Review status: criteria provided, single submitter. Criteria: Invitae Variant Classification Sherloc (09022015). Collection method: clinical testing. Allele origin: germline.
Comment: In summary, the available evidence is currently insufficient to determine the role of this variant in disease. Therefore, it has been classified as a Variant of Uncertain Significance. Advanced modeling of protein sequence and biophysical properties (such as structural, functional, and spatial information, amino acid conservation, physicochemical variation, residue mobility, and thermodynamic stability) performed at Invitae indicates that this missense variant is expected to disrupt GLDC protein function. ClinVar contains an entry for this variant (Variation ID: 1423220). This variant has not been reported in the literature in individuals affected with GLDC-related conditions. This variant is not present in population databases (gnomAD no frequency). This sequence change replaces asparagine, which is neutral and polar, with lysine, which is basic and polar, at codon 563 of the GLDC protein (p.Asn563Lys).